The following is an entry in ClinVar:

NM_014243.3(ADAMTS3):c.2617C>T (p.Arg873Cys)

Gene: ADAMTS3 (ADAM metallopeptidase with thrombospondin type 1 motif 3; minus strand). Cytogenetic location: 4q13.3.
Variant type: single nucleotide variant.
Coding change: c.2617C>T on transcript NM_014243.3 (MANE Select); coding-DNA position 2617, C replaced by T.
Protein change: p.Arg873Cys; replaces arginine 873 with cysteine.
Molecular consequence: missense variant.
Genome position (GRCh38, 1-based): chr4:72,295,760, G>A on the plus strand (C>T on the coding strand, the complement: ADAMTS3 is on the minus strand). VCF-style: chr4-72295760-G-A. GRCh37 (hg19) VCF-style: chr4-73161477-G-A.
Other names: short protein forms R873C.
Identifiers: ClinVar variation 1049741 (VCV001049741.1), dbSNP rs759621311, ClinGen allele CA2956573.

ClinVar aggregate classification (germline): Uncertain significance (0 of 4 stars; one submission).

Allele frequency attached by ClinVar (database versions not stated): ExAC 0.00001; gnomAD 0.00001; gnomAD exomes 0.00001; TOPMed 0.00001.
gnomAD v4.1: 15 of 1,612,024 alleles (0.00093%); highest among the groups gnomAD compares: Middle Eastern, 0.016%; no homozygotes.

Submission:

Department of Pathology and Laboratory Medicine, Sinai Health System
Classification: Uncertain significance. Review status: no assertion criteria provided. Collection method: clinical testing. Allele origin: unknown. Affected: yes. Study: The Canadian Open Genetics Repository (COGR).
Comment: The ADAMTS3 p.Arg873Cys variant was not identified in the literature nor was it identified in ClinVar or LOVD 3.0. The variant was identified in dbSNP (ID: rs759621311) and Cosmic (FATHMM prediction: pathogenic; score=0.89). The variant was identified in control databases in 2 of 250266 chromosomes at a frequency of 0.000008 (Genome Aggregation Database March 6, 2019, v2.1.1). The variant was observed in the following populations: South Asian in 1 of 30516 chromosomes (freq: 0.000033) and European (non-Finnish) in 1 of 113140 chromosomes (freq: 0.000009), but was not observed in the African, Latino, Ashkenazi Jewish, East Asian, European (Finnish), and Other populations. The p.Arg873 residue is conserved across mammals and other organisms, and four out of five computational analyses (PolyPhen-2, SIFT, AlignGVGD, BLOSUM, MutationTaster) suggest that the variant may impact the protein; however, this information is not predictive enough to assume pathogenicity. The variant occurs outside of the splicing consensus sequence and three of four in silico or computational prediction software programs (SpliceSiteFinder, MaxEntScan, NNSPLICE, GeneSplicer) do not predict a greater than 10% difference in splicing; this is not very predictive of pathogenicity. In summary, based on the above information the clinical significance of this variant cannot be determined with certainty at this time. This variant is classified as a variant of uncertain significance.